The following is an entry in ClinVar:

ClinVar aggregate classification (germline): Uncertain significance (1 of 4 stars; one submission).

Conditions:
Glycine encephalopathy. Also called: Nonketotic hyperglycinemia; Non-ketotic hyperglycinemia. Identifiers: Orphanet 407, MedGen C0751748, MONDO:0011612, HP:0008288.

Allele frequency attached by ClinVar (database versions not stated): gnomAD 0.00001; TOPMed 0.00001; ExAC 0.00002; gnomAD exomes 0.00004 and 0.00005.
gnomAD v4.1: 51 of 1,282,688 alleles (0.004%); highest among the groups gnomAD compares: Non-Finnish European, 0.0055%; no homozygotes.

Submission:

Labcorp Genetics (formerly Invitae), Labcorp
Classification: Uncertain significance for Glycine encephalopathy. Last evaluated: 2019-02-07. Review status: criteria provided, single submitter. Criteria: Invitae Variant Classification Sherloc (09022015). Collection method: clinical testing. Allele origin: germline.
Comment: In summary, the available evidence is currently insufficient to determine the role of this variant in disease. Therefore, it has been classified as a Variant of Uncertain Significance. Algorithms developed to predict the effect of missense changes on protein structure and function (SIFT, PolyPhen-2, Align-GVGD) all suggest that this variant is likely to be tolerated, but these predictions have not been confirmed by published functional studies and their clinical significance is uncertain. This variant has not been reported in the literature in individuals with GCSH-related conditions. The frequency data for this variant in the population databases is considered unreliable, as metrics indicate poor data quality at this position in the ExAC database. This sequence change replaces isoleucine with threonine at codon 171 of the GCSH protein (p.Ile171Thr). The isoleucine residue is moderately conserved and there is a moderate physicochemical difference between isoleucine and threonine.

NM_004483.5(GCSH):c.512T>C (p.Ile171Thr)

Gene: GCSH (glycine cleavage system protein H; minus strand). Cytogenetic location: 16q23.2.
Variant type: single nucleotide variant.
Coding change: c.512T>C on transcript NM_004483.5 (MANE Select); coding-DNA position 512, T replaced by C.
Protein change: p.Ile171Thr; replaces isoleucine 171 with threonine.
Molecular consequence: missense variant. On other transcripts: non-coding transcript variant (1).
Genome position (GRCh38, 1-based): chr16:81,082,876, A>G on the plus strand (T>C on the coding strand, the complement: GCSH is on the minus strand). VCF-style: chr16-81082876-A-G. GRCh37 (hg19) VCF-style: chr16-81116481-A-G.
Other names: short protein forms I171T.
Identifiers: ClinVar variation 850522 (VCV000850522.10), dbSNP rs770835365, ClinGen allele CA8186685.